The following is an entry in ClinVar:

NM_000059.4(BRCA2):c.9889G>C (p.Ala3297Pro)

Gene: BRCA2 (BRCA2 DNA repair associated; plus strand). Cytogenetic location: 13q13.1.
Variant type: single nucleotide variant.
Coding change: c.9889G>C on transcript NM_000059.4 (MANE Select); coding-DNA position 9889, G replaced by C.
Protein change: p.Ala3297Pro; replaces alanine 3297 with proline.
Molecular consequence: missense variant.
Genome position (GRCh38, 1-based): chr13:32,398,402, G>C. VCF-style: chr13-32398402-G-C. GRCh37 (hg19) VCF-style: chr13-32972539-G-C.
Other names: short protein forms A3297P.
Identifiers: ClinVar variation 462539 (VCV000462539.10), dbSNP rs1555289995, ClinGen allele CA387766804.

ClinVar aggregate classification (germline): Uncertain significance. Review status: criteria provided, multiple submitters, no conflicts (2 of 4 stars). 2 submissions from 2 submitters: Uncertain significance (2). Last evaluated 2022-01-09.

Conditions:
Hereditary cancer-predisposing syndrome. Also called: Neoplastic Syndromes, Hereditary; Hereditary Cancer Syndrome; Hereditary neoplastic syndrome; Tumor predisposition. Identifiers: Orphanet 140162, MedGen C0027672, MeSH D009386, MONDO:0015356.
Hereditary breast ovarian cancer syndrome. Also called: Hereditary breast and ovarian cancer syndrome (HBOC); Hereditary breast and ovarian cancer syndrome; Breast and ovarian cancer; Hereditary breast and/or ovarian cancer syndrome; Hereditary breast and ovarian cancer; BRCA1- and BRCA2-Associated Hereditary Breast and Ovarian Cancer. Identifiers: Orphanet 145, MedGen C0677776, MeSH D061325, MONDO:0003582. Disease mechanism: loss of function.

Submissions (2):

Sema4
Classification: Uncertain significance for Hereditary cancer-predisposing syndrome. Last evaluated: 2022-01-09. Review status: criteria provided, single submitter. Criteria: Sema4 Curation Guidelines. Collection method: curation. Allele origin: germline.
Comment: The BRCA2 c.9889G>C (p.A3297P) variant has not been reported in the literature to our knowledge. It was not observed in the large and broad cohorts of the Genome Aggregation Database (PMID: 32461654). This variant has been reported in ClinVar (Variation ID 462539). Functional studies have not been performed, and in silico predictions of the variant's effect on protein function are inconclusive. The evidence is insufficient to meet ACMG/AMP criteria for classifying the variant as benign or pathogenic. Thus, the clinical significance of this variant is currently uncertain.

Labcorp Genetics (formerly Invitae), Labcorp
Classification: Uncertain significance for Hereditary breast ovarian cancer syndrome. Last evaluated: 2017-03-22. Review status: criteria provided, single submitter. Criteria: Invitae Variant Classification Sherloc (09022015). Collection method: clinical testing. Allele origin: germline.
Comment: This variant is not present in population databases (ExAC no frequency) and has not been reported in the literature in individuals with a BRCA2-related disease. This sequence change replaces alanine with proline at codon 3297 of the BRCA2 protein (p.Ala3297Pro). The alanine residue is moderately conserved and there is a small physicochemical difference between alanine and proline. Algorithms developed to predict the effect of missense changes on protein structure and function do not agree on the potential impact of this missense change (SIFT: "Deleterious"; PolyPhen-2: "Probably Damaging"; Align-GVGD: "Class C0"). In summary, this variant is a novel missense change with uncertain impact on protein function. It has been classified as a Variant of Uncertain Significance.